The following is an entry in ClinVar:

ClinVar aggregate classification (germline): Pathogenic (1 of 4 stars; one submission).

Conditions:
Charcot-Marie-Tooth disease type 2. Also called: Charcot-Marie-Tooth type 2. Identifiers: Orphanet 64746, MedGen C0270914, MONDO:0018993.

Submission:

Labcorp Genetics (formerly Invitae), Labcorp
Classification: Pathogenic for Charcot-Marie-Tooth disease type 2. Last evaluated: 2024-10-17. Review status: criteria provided, single submitter. Criteria: Invitae Variant Classification Sherloc (09022015). Collection method: clinical testing. Allele origin: germline.
Comment: This sequence change replaces proline, which is neutral and non-polar, with serine, which is neutral and polar, at codon 251 of the MFN2 protein (p.Pro251Ser). This variant is not present in population databases (gnomAD no frequency). This missense change has been observed in individual(s) with autosomal dominant MFN2-related conditions (PMID: 33415332, 34255403; internal data). In at least one individual the variant was observed to be de novo. ClinVar contains an entry for this variant (Variation ID: 408316). Invitae Evidence Modeling of protein sequence and biophysical properties (such as structural, functional, and spatial information, amino acid conservation, physicochemical variation, residue mobility, and thermodynamic stability) indicates that this missense variant is expected to disrupt MFN2 protein function with a positive predictive value of 95%. This variant disrupts the p.Pro251 amino acid residue in MFN2. Other variant(s) that disrupt this residue have been determined to be pathogenic (PMID: 24078732, 30807887; internal data). This suggests that this residue is clinically significant, and that variants that disrupt this residue are likely to be disease-causing. For these reasons, this variant has been classified as Pathogenic.

Literature cited by the submitters: PubMed 33415332; PubMed 34255403; PubMed 24078732; PubMed 30807887.

NM_014874.4(MFN2):c.751C>T (p.Pro251Ser)

Gene: MFN2 (mitofusin 2; plus strand). Cytogenetic location: 1p36.22.
Variant type: single nucleotide variant.
Coding change: c.751C>T on transcript NM_014874.4 (MANE Select); coding-DNA position 751, C replaced by T.
Protein change: p.Pro251Ser; replaces proline 251 with serine.
Molecular consequence: missense variant.
Genome position (GRCh38, 1-based): chr1:11,999,030, C>T. VCF-style: chr1-11999030-C-T. GRCh37 (hg19) VCF-style: chr1-12059087-C-T.
Other names: c.751C>T, p.Pro251Ser (NM_001127660.2); short protein forms P251S.
Identifiers: ClinVar variation 408316 (VCV000408316.7), dbSNP rs28940295, ClinGen allele CA16609868.
Genomic context (GRCh38, chr1:11,999,030, plus strand): 5'-GTCTTACCCTTTATCTAGGAAAAGCACTTCTTCCACAAGGTGAGTGAGCGTCTCTCCCGG[C>T]CAAACATCTTCATCCTGAACAACCGCTGGGATGCATCTGCCTCAGAGCCCGAGTACATGG-3'
Protein context (NP_055689.1, residues 241-261): FHKVSERLSR[Pro251Ser]NIFILNNRWD